The following is an entry in ClinVar:

ClinVar aggregate classification (germline): Uncertain significance (1 of 4 stars; one submission).

Conditions:
Combined immunodeficiency due to DOCK8 deficiency (HIES2). Also called: HIES autosomal recessive; HYPER-IgE RECURRENT INFECTION SYNDROME 2, AUTOSOMAL RECESSIVE; HYPER-IgE SYNDROME 2, AUTOSOMAL RECESSIVE, WITH RECURRENT INFECTIONS; Hyper-IgE recurrent infection syndrome, autosomal recessive; DOCK8 Deficiency. Identifiers: Orphanet 217390, MedGen C4722305, MONDO:0009478, OMIM 243700.

Allele frequency attached by ClinVar (database versions not stated): gnomAD exomes 0.00001; TOPMed 0.00003; gnomAD 0.00004.
gnomAD v4.1: 19 of 1,613,492 alleles (0.0012%); highest among the groups gnomAD compares: Non-Finnish European, 0.0014%; no homozygotes.

Submission:

Labcorp Genetics (formerly Invitae), Labcorp
Classification: Uncertain significance for Combined immunodeficiency due to DOCK8 deficiency. Last evaluated: 2022-07-21. Review status: criteria provided, single submitter. Criteria: Invitae Variant Classification Sherloc (09022015). Collection method: clinical testing. Allele origin: germline.
Comment: This sequence change replaces alanine, which is neutral and non-polar, with threonine, which is neutral and polar, at codon 1736 of the DOCK8 protein (p.Ala1736Thr). This variant is present in population databases (rs773022139, gnomAD 0.002%). This variant has not been reported in the literature in individuals affected with DOCK8-related conditions. ClinVar contains an entry for this variant (Variation ID: 849648). Algorithms developed to predict the effect of missense changes on protein structure and function (SIFT, PolyPhen-2, Align-GVGD) all suggest that this variant is likely to be tolerated. In summary, the available evidence is currently insufficient to determine the role of this variant in disease. Therefore, it has been classified as a Variant of Uncertain Significance.

NM_203447.4(DOCK8):c.5206G>A (p.Ala1736Thr)

Gene: DOCK8 (dedicator of cytokinesis 8; plus strand). Cytogenetic location: 9p24.3.
Variant type: single nucleotide variant.
Coding change: c.5206G>A on transcript NM_203447.4 (MANE Select); coding-DNA position 5206, G replaced by A.
Protein change: p.Ala1736Thr; replaces alanine 1736 with threonine.
Molecular consequence: missense variant.
Genome position (GRCh38, 1-based): chr9:439,371, G>A. VCF-style: chr9-439371-G-A. GRCh37 (hg19) VCF-style: chr9-439371-G-A.
Other names: c.4906G>A, p.Ala1636Thr (NM_001190458.2); c.5002G>A, p.Ala1668Thr (NM_001193536.2); short protein forms A1636T, A1668T, A1736T.
Identifiers: ClinVar variation 849648 (VCV000849648.7), dbSNP rs773022139, ClinGen allele CA187816197.
Genomic context (GRCh38, chr9:439,371, plus strand): 5'-GGGGTGTGCGCAGGCCAGTACTTCACCGAGAGTGGCCTGGTAGGCCTCCTGGAGCAGGCC[G>A]CGGAGCTCTTCAGCACGGTCAGTGCCCAGAGGGCATCCCGGGGCCTGGCCTCCCATACTC-3'
Protein context (NP_982272.2, residues 1726-1746): SGLVGLLEQA[Ala1736Thr]ELFSTGGLYE